The following is an entry in ClinVar:

NM_006218.4(PIK3CA):c.2207T>C (p.Val736Ala)

Gene: PIK3CA (phosphatidylinositol-4,5-bisphosphate 3-kinase catalytic subunit alpha; plus strand). Cytogenetic location: 3q26.32.
Variant type: single nucleotide variant.
Coding change: c.2207T>C on transcript NM_006218.4 (MANE Select); coding-DNA position 2207, T replaced by C.
Protein change: p.Val736Ala; replaces valine 736 with alanine.
Molecular consequence: missense variant.
Genome position (GRCh38, 1-based): chr3:179,224,100, T>C. VCF-style: chr3-179224100-T-C. GRCh37 (hg19) VCF-style: chr3-178941888-T-C.
Other names: short protein forms V736A.
Identifiers: ClinVar variation 1787707 (VCV001787707.2), dbSNP rs766847142, ClinGen allele CA2710904.

ClinVar aggregate classification (germline): Uncertain significance (1 of 4 stars; one submission).

Conditions:
Inborn genetic diseases. Identifiers: MedGen C0950123, MeSH D030342.

Allele frequency attached by ClinVar (database versions not stated): gnomAD exomes below 0.00001; ExAC 0.00001.
gnomAD v4.1: 2 of 1,603,736 alleles (0.00012%); highest among the groups gnomAD compares: East Asian, 0.0022%; no homozygotes.

Submission:

Ambry Genetics
Classification: Uncertain significance for Inborn genetic diseases. Last evaluated: 2022-04-02. Review status: criteria provided, single submitter. Criteria: Ambry Variant Classification Scheme 2023. Collection method: clinical testing. Allele origin: germline.
Comment: The p.V736A variant (also known as c.2207T>C), located in coding exon 14 of the PIK3CA gene, results from a T to C substitution at nucleotide position 2207. The valine at codon 736 is replaced by alanine, an amino acid with similar properties. This amino acid position is conserved. In addition, the in silico prediction for this alteration is inconclusive. Since supporting evidence is limited at this time, the clinical significance of this alteration remains unclear.